The following is an entry in ClinVar:

NM_000188.3(HK1):c.611T>C (p.Val204Ala)

Gene: HK1 (hexokinase 1; plus strand). Cytogenetic location: 10q22.1.
Variant type: single nucleotide variant.
Coding change: c.611T>C on transcript NM_000188.3 (MANE Select); coding-DNA position 611, T replaced by C.
Protein change: p.Val204Ala; replaces valine 204 with alanine.
Molecular consequence: missense variant.
Genome position (GRCh38, 1-based): chr10:69,369,256, T>C. VCF-style: chr10-69369256-T-C. GRCh37 (hg19) VCF-style: chr10-71129012-T-C.
Other names: c.623T>C, p.Val208Ala (NM_001322364.2, NM_001358263.1, NM_033497.3 and 1 more transcripts); c.716T>C, p.Val239Ala (NM_001322365.2); c.527T>C, p.Val176Ala (NM_001322366.1); c.515T>C, p.Val172Ala (NM_001322367.1); c.608T>C, p.Val203Ala (NM_033496.3); c.575T>C, p.Val192Ala (NM_033500.2); short protein forms V176A, V208A, V239A, V172A, V192A, V203A, V204A.
Identifiers: ClinVar variation 860776 (VCV000860776.11), dbSNP rs1849872840, ClinGen allele CA376913888.

ClinVar aggregate classification (germline): Uncertain significance (1 of 4 stars; one submission).

Submission:

Labcorp Genetics (formerly Invitae), Labcorp
Classification: Uncertain significance. Last evaluated: 2024-04-09. Review status: criteria provided, single submitter. Criteria: Invitae Variant Classification Sherloc (09022015). Collection method: clinical testing. Allele origin: germline.
Comment: This sequence change replaces valine, which is neutral and non-polar, with alanine, which is neutral and non-polar, at codon 204 of the HK1 protein (p.Val204Ala). This variant is not present in population databases (gnomAD no frequency). This variant has not been reported in the literature in individuals affected with HK1-related conditions. ClinVar contains an entry for this variant (Variation ID: 860776). Advanced modeling of protein sequence and biophysical properties (such as structural, functional, and spatial information, amino acid conservation, physicochemical variation, residue mobility, and thermodynamic stability) performed at Invitae indicates that this missense variant is not expected to disrupt HK1 protein function with a negative predictive value of 80%. In summary, the available evidence is currently insufficient to determine the role of this variant in disease. Therefore, it has been classified as a Variant of Uncertain Significance.